The following is an entry in ClinVar:

NM_002048.3(GAS1):c.915C>T (p.Gly305=)

Gene: GAS1 (growth arrest specific 1; minus strand). Cytogenetic location: 9q21.33.
Variant type: single nucleotide variant.
Coding change: c.915C>T on transcript NM_002048.3 (MANE Select); coding-DNA position 915, C replaced by T.
Protein change: p.Gly305=; no amino-acid change (glycine 305 retained).
Molecular consequence: synonymous variant.
Genome position (GRCh38, 1-based): chr9:86,945,865, G>A on the plus strand (C>T on the coding strand, the complement: GAS1 is on the minus strand). VCF-style: chr9-86945865-G-A. GRCh37 (hg19) VCF-style: chr9-89560780-G-A.
Identifiers: ClinVar variation 2659289 (VCV002659289.24), dbSNP rs1825478389, ClinGen allele CA465984029.

ClinVar aggregate classification (germline): Likely benign (1 of 4 stars; one submission).

Allele frequency attached by ClinVar (database versions not stated): gnomAD exomes below 0.00001.
gnomAD v4.1: 3 of 1,476,770 alleles (0.0002%); highest among the groups gnomAD compares: South Asian, 0.0014%; no homozygotes.

Submission:

CeGaT Center for Human Genetics Tuebingen
Classification: Likely benign. Last evaluated: 2022-08-01. Review status: criteria provided, single submitter. Criteria: CeGaT Center For Human Genetics Tuebingen Variant Classification Criteria Version 2. Collection method: clinical testing. Allele origin: germline. Affected: yes. Observed: 1 variant allele.
Comment: GAS1: PM2:Supporting, BP4, BP7